The following is an entry in ClinVar:

ClinVar aggregate classification (germline): Uncertain significance. Review status: criteria provided, multiple submitters, no conflicts (2 of 4 stars). 2 submissions from 2 submitters: Uncertain significance (2). Last evaluated 2025-03-01.

Conditions:
Inborn genetic diseases. Identifiers: MedGen C0950123, MeSH D030342.

Allele frequency attached by ClinVar (database versions not stated): gnomAD 0.00001; gnomAD exomes 0.00001; TOPMed 0.00002.
gnomAD v4.1: 16 of 1,589,546 alleles (0.001%); highest among the groups gnomAD compares: Admixed American, 0.0018%; no homozygotes.

Submissions (2):

Ambry Genetics
Classification: Uncertain significance for Inborn genetic diseases. Last evaluated: 2025-03-01. Review status: criteria provided, single submitter. Criteria: Ambry Variant Classification Scheme 2023. Collection method: clinical testing. Allele origin: germline.

Labcorp Genetics (formerly Invitae), Labcorp
Classification: Uncertain significance. Last evaluated: 2022-02-28. Review status: criteria provided, single submitter. Criteria: Invitae Variant Classification Sherloc (09022015). Collection method: clinical testing. Allele origin: germline.
Comment: This sequence change replaces phenylalanine, which is neutral and non-polar, with cysteine, which is neutral and slightly polar, at codon 2225 of the CAD protein (p.Phe2225Cys). This variant is present in population databases (no rsID available, gnomAD 0.07%). This variant has not been reported in the literature in individuals affected with CAD-related conditions. Algorithms developed to predict the effect of missense changes on protein structure and function (SIFT, PolyPhen-2, Align-GVGD) all suggest that this variant is likely to be tolerated. In summary, the available evidence is currently insufficient to determine the role of this variant in disease. Therefore, it has been classified as a Variant of Uncertain Significance.

NM_004341.5(CAD):c.6674T>G (p.Phe2225Cys)

Genes: CAD (carbamoyl-phosphate synthetase 2, aspartate transcarbamylase, and dihydroorotase; plus strand), LOC126806172 (CDK7 strongly-dependent group 2 enhancer GRCh37_chr2:27465505-27466704; plus strand). Cytogenetic location: 2p23.3.
Variant type: single nucleotide variant.
Coding change: c.6674T>G on transcript NM_004341.5 (MANE Select); coding-DNA position 6674, T replaced by G.
Protein change: p.Phe2225Cys; replaces phenylalanine 2225 with cysteine.
Molecular consequence: missense variant.
Genome position (GRCh38, 1-based): chr2:27,243,514, T>G. VCF-style: chr2-27243514-T-G. GRCh37 (hg19) VCF-style: chr2-27466382-T-G.
Other names: c.6485T>G, p.Phe2162Cys (NM_001306079.2); c.6674T>G (NM_004341.3); short protein forms F2162C, F2225C.
Identifiers: ClinVar variation 1929538 (VCV001929538.3), dbSNP rs1024181346, ClinGen allele CA44522230.